The following is an entry in ClinVar:

NM_001329943.3(KIAA0586):c.3861G>A (p.Glu1287=)

Gene: KIAA0586 (KIAA0586; plus strand). Cytogenetic location: 14q23.1.
Variant type: single nucleotide variant.
Coding change: c.3861G>A on transcript NM_001329943.3 (MANE Select); coding-DNA position 3861, G replaced by A.
Protein change: p.Glu1287=; no amino-acid change (glutamic acid 1287 retained).
Molecular consequence: synonymous variant. On other transcripts: intron variant (1).
Genome position (GRCh38, 1-based): chr14:58,492,146, G>A. VCF-style: chr14-58492146-G-A. GRCh37 (hg19) VCF-style: chr14-58958864-G-A.
Other names: c.4020G>A, p.Glu1340= (NM_001244189.2); c.3816G>A, p.Glu1272= (NM_001244190.2); c.3606G>A, p.Glu1202= (NM_001244191.2, NM_001329945.2, NM_001364700.1 and 1 more transcripts); c.3729G>A, p.Glu1243= (NM_001244192.2); c.3441G>A, p.Glu1147= (NM_001244193.2); c.3861G>A, p.Glu1287= (NM_001329944.2, NM_001329946.2); c.3633G>A, p.Glu1211= (NM_014749.5); c.3858+1906G>A (NM_001329947.2).
Identifiers: ClinVar variation 767103 (VCV000767103.15), dbSNP rs188676684, ClinGen allele CA261649978.

ClinVar aggregate classification (germline): Conflicting classifications of pathogenicity. Review status: criteria provided, conflicting classifications (1 of 4 stars). 5 submissions from 5 submitters: Uncertain significance (1); Likely benign (3). 1 of the submissions does not count toward it. Last evaluated 2025-11-30.

Conditions:
Short-rib thoracic dysplasia 14 with polydactyly (SRTD14). Identifiers: Orphanet 397715, MedGen C4225286, MONDO:0014688, OMIM 616546.
Joubert syndrome 23 (JBTS23). Identifiers: Orphanet 475, MedGen C4084822, MONDO:0014664, OMIM 616490.
KIAA0586-related disorder. Also called: KIAA0586- Related disorders; KIAA0586-related condition.

Allele frequency attached by ClinVar (database versions not stated): gnomAD exomes 0.00003 and 0.00028; 1000 Genomes Project 30x 0.00016; 1000 Genomes Project 0.00020; gnomAD 0.00021; TOPMed 0.00032.
gnomAD v4.1: 75 of 1,520,522 alleles (0.0049%); highest among the groups gnomAD compares: Admixed American, 0.17%; no homozygotes.

Submissions (5):

Labcorp Genetics (formerly Invitae), Labcorp
Classification: Likely benign for Joubert syndrome 23; Short-rib thoracic dysplasia 14 with polydactyly. Last evaluated: 2025-11-30. Review status: criteria provided, single submitter. Criteria: Invitae Variant Classification Sherloc (09022015). Collection method: clinical testing. Allele origin: germline.

GeneDx
Classification: Uncertain significance. Last evaluated: 2025-02-05. Review status: criteria provided, single submitter. Criteria: GeneDx Variant Classification Process June 2021. Collection method: clinical testing. Allele origin: germline. Affected: yes.
Comment: Has not been previously published as pathogenic or benign to our knowledge; In silico analysis suggests this variant may impact gene splicing. In the absence of RNA/functional studies, the actual effect of this sequence change is unknown

Blueprint Genetics
Classification: Likely benign. Last evaluated: 2024-04-19. Review status: criteria provided, single submitter. Criteria: ACMG Guidelines, 2015. Collection method: clinical testing. Allele origin: germline.

Breakthrough Genomics
Classification: Likely benign. Review status: criteria provided, single submitter. Criteria: ACMG Guidelines, 2015. Collection method: not provided. Allele origin: germline. Inheritance: Autosomal recessive inheritance. Affected: yes.

PreventionGenetics, part of Exact Sciences
Classification: Likely benign for KIAA0586-related condition. Last evaluated: 2019-05-02. Review status: no assertion criteria provided. Collection method: clinical testing. Allele origin: germline. Not counted in ClinVar's aggregate classification.
Comment: This variant is classified as likely benign based on ACMG/AMP sequence variant interpretation guidelines (Richards et al. 2015 PMID: 25741868, with internal and published modifications).